The following is an entry in ClinVar:

ClinVar aggregate classification (germline): Likely benign (1 of 4 stars; one submission).

Submission:

CeGaT Center for Human Genetics Tuebingen
Classification: Likely benign. Last evaluated: 2025-10-01. Review status: criteria provided, single submitter. Criteria: CeGaT Center For Human Genetics Tuebingen Variant Classification Criteria Version 2. Collection method: clinical testing. Allele origin: germline. Affected: yes. Observed: 1 variant allele.
Comment: PLEC: PM2:Supporting, BP4, BP7

NM_201384.3(PLEC):c.11143C>T (p.Leu3715=)

Gene: PLEC (plectin; minus strand). Cytogenetic location: 8q24.3.
Variant type: single nucleotide variant.
Coding change: c.11143C>T on transcript NM_201384.3 (MANE Select); coding-DNA position 11143, C replaced by T.
Protein change: p.Leu3715=; no amino-acid change (leucine 3715 retained).
Molecular consequence: synonymous variant.
Genome position (GRCh38, 1-based): chr8:143,918,678, G>A on the plus strand (C>T on the coding strand, the complement: PLEC is on the minus strand). VCF-style: chr8-143918678-G-A. GRCh37 (hg19) VCF-style: chr8-144992846-G-A.
Other names: c.11224C>T, p.Leu3742= (NM_000445.5); c.7843C>T, p.Leu2615= (NM_001410941.1); c.11101C>T, p.Leu3701= (NM_201378.4); c.11077C>T, p.Leu3693= (NM_201379.3); c.11554C>T, p.Leu3852= (NM_201380.4); c.11047C>T, p.Leu3683= (NM_201381.3); c.11143C>T, p.Leu3715= (NM_201382.4); c.11155C>T, p.Leu3719= (NM_201383.3).
Identifiers: ClinVar variation 4534963 (VCV004534963.6).